The following is an entry in ClinVar:

NM_001267550.2(TTN):c.9047del (p.Met3016fs)

Gene: TTN (titin; minus strand). Cytogenetic location: 2q31.2.
Variant type: Deletion.
Coding change: c.9047del on transcript NM_001267550.2 (MANE Select); coding-DNA position 9047, one base deleted (T; older notation c.9047delT).
Protein change: p.Met3016fs; shifts the reading frame from methionine 3016.
Molecular consequence: frameshift variant.
Genome position (GRCh38, 1-based): chr2:178,768,789, A deleted on the plus strand (T on the coding strand, the reverse complement: TTN is on the minus strand). VCF-style (leftmost placement, unchanged base first): chr2-178768788-CA-C. GRCh37 (hg19) VCF-style: chr2-179633515-CA-C.
Other names: c.8909delT (NM_003319.4); c.9047del, p.Met3016fs (NM_001256850.1, NM_133378.4, NM_133379.5); c.8909del, p.Met2970fs (NM_003319.4, NM_133432.3, NM_133437.4); short protein forms M3016fs, M2970fs.
Identifiers: ClinVar variation 1765069 (VCV001765069.7), dbSNP rs2532400378, ClinGen allele CA2580065181.

ClinVar aggregate classification (germline): Likely pathogenic. Review status: criteria provided, multiple submitters, no conflicts (2 of 4 stars). 2 submissions from 2 submitters: Likely pathogenic (2). Last evaluated 2024-10-18.

Conditions:
Cardiovascular phenotype. Identifiers: MedGen CN230736.
Autosomal recessive limb-girdle muscular dystrophy type 2J (LGMDR10). Also called: MUSCULAR DYSTROPHY, LIMB-GIRDLE, AUTOSOMAL RECESSIVE 10; Limb-girdle muscular dystrophy, type 2J. Identifiers: Orphanet 140922, MedGen C1837342, MONDO:0012127, OMIM 608807.
Dilated cardiomyopathy 1G (CMD1G). Identifiers: Orphanet 154, MedGen C1858763, MONDO:0011400, OMIM 604145.

Allele frequency attached by ClinVar (database versions not stated): gnomAD exomes below 0.00001.

Submissions (2):

Labcorp Genetics (formerly Invitae), Labcorp
Classification: Likely pathogenic for Dilated cardiomyopathy 1G; Autosomal recessive limb-girdle muscular dystrophy type 2J. Last evaluated: 2024-10-18. Review status: criteria provided, single submitter. Criteria: Invitae Variant Classification Sherloc (09022015). Collection method: clinical testing. Allele origin: germline.
Comment: This sequence change creates a premature translational stop signal (p.Met3016Argfs*10) in the TTN gene. While this is not anticipated to result in nonsense mediated decay, it is expected to create a truncated TTN protein. This variant is not present in population databases (gnomAD no frequency). This variant has not been reported in the literature in individuals affected with TTN-related conditions. ClinVar contains an entry for this variant (Variation ID: 1765069). This variant is located in the I band of TTN (PMID: 25589632). Truncating variants in this region have been reported in individuals affected with autosomal recessive centronuclear myopathy (PMID: 23975875, internal data). Truncating variants in this region have also been identified in individuals affected with autosomal dominant dilated cardiomyopathy and/or cardio-related conditions (PMID: 27869827, 32964742, internal data). In summary, the currently available evidence indicates that the variant is pathogenic, but additional data are needed to prove that conclusively. Therefore, this variant has been classified as Likely Pathogenic.

Ambry Genetics
Classification: Likely pathogenic for Cardiovascular phenotype. Last evaluated: 2019-05-29. Review status: criteria provided, single submitter. Criteria: Ambry Variant Classification Scheme 2023. Collection method: clinical testing. Allele origin: germline.
Comment: The c.8909delT variant, located in coding exon 36 of the TTN gene, results from a deletion of one nucleotide at nucleotide position 8909, causing a translational frameshift with a predicted alternate stop codon (p.M2970Rfs*10). This exon is located in the I-band region of the N2-B isoform of the titin protein and is constitutively expressed in TTN transcripts (percent spliced in or PSI 100%). This alteration is expected to result in loss of function by premature protein truncation or nonsense-mediated mRNA decay. While truncating variants in TTN are present in 1-3% of the general population, truncating variants in the A-band are the most common cause of dilated cardiomyopathy (DCM) (Herman DS et al. N. Engl. J. Med., 2012 Feb;366:619-28; Roberts AM et al. Sci Transl Med, 2015 Jan;7:270ra6). TTN truncating variants encoded in constitutive exons (PSI >90%) have been found to be significantly associated with DCM regardless of their position in titin (Schafer S et al. Nat. Genet., 2017 01;49:46-53). As such, this alteration is classified as likely pathogenic.

Literature cited by the submitters: PubMed 25589632 (cited by Labcorp Genetics (formerly Invitae), Labcorp); PubMed 23975875 (cited by Labcorp Genetics (formerly Invitae), Labcorp); PubMed 27869827 (cited by Labcorp Genetics (formerly Invitae), Labcorp); PubMed 32964742 (cited by Labcorp Genetics (formerly Invitae), Labcorp).